The following is an entry in ClinVar:

NM_001375524.1(TRRAP):c.3647G>A (p.Arg1216Gln)

Gene: TRRAP (transformation/transcription domain associated protein; plus strand). Cytogenetic location: 7q22.1.
Variant type: single nucleotide variant.
Coding change: c.3647G>A on transcript NM_001375524.1 (MANE Select); coding-DNA position 3647, G replaced by A.
Protein change: p.Arg1216Gln; replaces arginine 1216 with glutamine.
Molecular consequence: missense variant.
Genome position (GRCh38, 1-based): chr7:98,931,460, G>A. VCF-style: chr7-98931460-G-A. GRCh37 (hg19) VCF-style: chr7-98529083-G-A.
Other names: c.3647G>A, p.Arg1216Gln (NM_001244580.2, NM_003496.4); short protein forms R1216Q.
Identifiers: ClinVar variation 1306215 (VCV001306215.4), dbSNP rs1554412837, ClinGen allele CA368301573.
Genomic context (GRCh38, chr7:98,931,460, plus strand): 5'-TGCAGGTTTCCAATGGGGCAGTCGCTATGGCAAAGACCACGCTGGAGCAGCTTCTGATGC[G>A]GTGCGCAACGCCTTTAAAAGACGAGGAGAGAGCCGAAGAGATCGTGGCCGCCCAGGAAAA-3'
Protein context (NP_001362453.1, residues 1206-1226): AKTTLEQLLM[Arg1216Gln]CATPLKDEER

ClinVar aggregate classification (germline): Uncertain significance. Review status: criteria provided, multiple submitters, no conflicts (2 of 4 stars). 2 submissions from 2 submitters: Uncertain significance (2). Last evaluated 2024-04-12.

Allele frequency attached by ClinVar (database versions not stated): gnomAD 0.00001; gnomAD exomes below 0.00001.
gnomAD v4.1: 4 of 1,613,982 alleles (0.00025%); highest among the groups gnomAD compares: South Asian, 0.0011%; no homozygotes.

Submissions (2):

Labcorp Genetics (formerly Invitae), Labcorp
Classification: Uncertain significance. Last evaluated: 2024-04-12. Review status: criteria provided, single submitter. Criteria: Invitae Variant Classification Sherloc (09022015). Collection method: clinical testing. Allele origin: germline.
Comment: This sequence change replaces arginine, which is basic and polar, with glutamine, which is neutral and polar, at codon 1216 of the TRRAP protein (p.Arg1216Gln). This variant is present in population databases (no rsID available, gnomAD 0.007%). This variant has not been reported in the literature in individuals affected with TRRAP-related conditions. ClinVar contains an entry for this variant (Variation ID: 1306215). Advanced modeling of protein sequence and biophysical properties (such as structural, functional, and spatial information, amino acid conservation, physicochemical variation, residue mobility, and thermodynamic stability) performed at Invitae indicates that this missense variant is not expected to disrupt TRRAP protein function with a negative predictive value of 80%. In summary, the available evidence is currently insufficient to determine the role of this variant in disease. Therefore, it has been classified as a Variant of Uncertain Significance.

GeneDx
Classification: Uncertain significance. Last evaluated: 2019-05-28. Review status: criteria provided, single submitter. Criteria: GeneDx Variant Classification Process June 2021. Collection method: clinical testing. Allele origin: germline. Affected: yes.
Comment: In silico analysis, which includes protein predictors and evolutionary conservation, supports that this variant does not alter protein structure/function; Has not been previously published as pathogenic or benign to our knowledge